The following is an entry in ClinVar:

ClinVar aggregate classification (germline): Uncertain significance. Review status: criteria provided, multiple submitters, no conflicts (2 of 4 stars). 3 submissions from 3 submitters: Uncertain significance (3). Last evaluated 2025-01-20.

Conditions:
Senior-Loken syndrome 8 (SLSN8). Identifiers: Orphanet 3156, MedGen C4225376, MONDO:0014579, OMIM 616307.
Asphyxiating thoracic dystrophy 5 (SRTD5). Also called: SHORT-RIB THORACIC DYSPLASIA 5 WITH OR WITHOUT POLYDACTYLY; SHORT-RIB THORACIC DYSPLASIA 5 WITHOUT POLYDACTYLY. Identifiers: Orphanet 474, MedGen C3280598, MONDO:0013717, OMIM 614376.
Nephronophthisis 13 (NPHP13). Identifiers: Orphanet 655, MedGen C3280612, MONDO:0013718, OMIM 614377.
Cranioectodermal dysplasia 4 (CED4). Identifiers: Orphanet 1515, MedGen C3280616, MONDO:0013719, OMIM 614378.
Spermatogenic failure 72 (SPGF72). Identifiers: MedGen C5676980, MONDO:0030809, OMIM 619867.

Allele frequency attached by ClinVar (database versions not stated): ExAC 0.00001; gnomAD 0.00001; gnomAD exomes 0.00001 and 0.00010; TOPMed 0.00002.
gnomAD v4.1: 144 of 1,613,562 alleles (0.0089%); highest among the groups gnomAD compares: Non-Finnish European, 0.012%; no homozygotes.

Submissions (3):

Labcorp Genetics (formerly Invitae), Labcorp
Classification: Uncertain significance for Senior-Loken syndrome 8; Asphyxiating thoracic dystrophy 5. Last evaluated: 2025-01-20. Review status: criteria provided, single submitter. Criteria: Invitae Variant Classification Sherloc (09022015). Collection method: clinical testing. Allele origin: germline.
Comment: This sequence change replaces aspartic acid, which is acidic and polar, with asparagine, which is neutral and polar, at codon 1127 of the WDR19 protein (p.Asp1127Asn). This variant is present in population databases (rs767727756, gnomAD 0.003%). This variant has not been reported in the literature in individuals affected with WDR19-related conditions. ClinVar contains an entry for this variant (Variation ID: 998836). Invitae Evidence Modeling of protein sequence and biophysical properties (such as structural, functional, and spatial information, amino acid conservation, physicochemical variation, residue mobility, and thermodynamic stability) indicates that this missense variant is not expected to disrupt WDR19 protein function with a negative predictive value of 80%. In summary, the available evidence is currently insufficient to determine the role of this variant in disease. Therefore, it has been classified as a Variant of Uncertain Significance.

Fulgent Genetics
Classification: Uncertain significance for Asphyxiating thoracic dystrophy 5; Nephronophthisis 13; Cranioectodermal dysplasia 4; Senior-Loken syndrome 8; Spermatogenic failure 72. Last evaluated: 2024-03-08. Review status: criteria provided, single submitter. Criteria: ACMG Guidelines, 2015. Collection method: clinical testing. Allele origin: germline.

Blueprint Genetics
Classification: Uncertain significance. Last evaluated: 2021-05-31. Review status: criteria provided, single submitter. Criteria: ACMG Guidelines, 2015. Collection method: clinical testing. Allele origin: germline.

NM_025132.4(WDR19):c.3379G>A (p.Asp1127Asn)

Gene: WDR19 (WD repeat domain 19; plus strand). Cytogenetic location: 4p14.
Variant type: single nucleotide variant.
Coding change: c.3379G>A on transcript NM_025132.4 (MANE Select); coding-DNA position 3379, G replaced by A.
Protein change: p.Asp1127Asn; replaces aspartic acid 1127 with asparagine.
Molecular consequence: missense variant.
Genome position (GRCh38, 1-based): chr4:39,269,996, G>A. VCF-style: chr4-39269996-G-A. GRCh37 (hg19) VCF-style: chr4-39271616-G-A.
Other names: c.2899G>A, p.Asp967Asn (NM_001317924.2); short protein forms D1127N, D967N.
Identifiers: ClinVar variation 998836 (VCV000998836.10), dbSNP rs767727756, ClinGen allele CA2892361.